The following is an entry in ClinVar:

ClinVar aggregate classification (germline): Conflicting classifications of pathogenicity. Review status: criteria provided, conflicting classifications (1 of 4 stars). 4 submissions from 4 submitters: Uncertain significance (1); Likely benign (3). Last evaluated 2026-01-20.

Conditions:
Juvenile polyposis syndrome (JPS). Identifiers: Orphanet 2929, MedGen C0345893, MONDO:0017380, OMIM 174900.
Hereditary cancer-predisposing syndrome. Also called: Tumor predisposition; Neoplastic Syndromes, Hereditary; Hereditary Cancer Syndrome; Hereditary neoplastic syndrome. Identifiers: Orphanet 140162, MedGen C0027672, MeSH D009386, MONDO:0015356.

Allele frequency attached by ClinVar (database versions not stated): gnomAD exomes 0.00001.
gnomAD v4.1: 8 of 1,612,164 alleles (0.0005%); highest among the groups gnomAD compares: Non-Finnish European, 0.00059%; no homozygotes.

Submissions (4):

Labcorp Genetics (formerly Invitae), Labcorp
Classification: Likely benign for Juvenile polyposis syndrome. Last evaluated: 2026-01-20. Review status: criteria provided, single submitter. Criteria: Invitae Variant Classification Sherloc (09022015). Collection method: clinical testing. Allele origin: germline.

Myriad Genetics, Inc.
Classification: Likely benign for Juvenile polyposis syndrome. Last evaluated: 2024-07-31. Review status: criteria provided, single submitter. Criteria: Myriad Autosomal Dominant, Autosomal Recessive and X-Linked Classification Criteria (2023). Collection method: clinical testing. Allele origin: unknown.
Comment: This variant is considered likely benign. This variant is intronic and is not expected to impact mRNA splicing.

GeneDx
Classification: Uncertain significance. Last evaluated: 2020-10-22. Review status: criteria provided, single submitter. Criteria: GeneDx Variant Classification Process June 2021. Collection method: clinical testing. Allele origin: germline. Affected: yes.
Comment: Not observed in large population cohorts (Lek 2016); Has not been previously published as pathogenic or benign to our knowledge; In silico analysis, which includes splice predictors and evolutionary conservation, is inconclusive as to whether the variant alters gene splicing. In the absence of RNA/functional studies, the actual effect of this sequence change is unknown.

Color Diagnostics, LLC DBA Color Health
Classification: Likely benign for Hereditary cancer-predisposing syndrome. Last evaluated: 2017-11-07. Review status: criteria provided, single submitter. Criteria: ACMG Guidelines, 2015. Collection method: clinical testing. Allele origin: germline.

NM_004329.3(BMPR1A):c.68-13T>C

Gene: BMPR1A (bone morphogenetic protein receptor type 1A; plus strand). Cytogenetic location: 10q23.2.
Variant type: single nucleotide variant.
Coding change: c.68-13T>C on transcript NM_004329.3 (MANE Select); 13 bases into the intron before coding-DNA position 68, T replaced by C.
Molecular consequence: intron variant.
Genome position (GRCh38, 1-based): chr10:86,890,049, T>C. VCF-style: chr10-86890049-T-C. GRCh37 (hg19) VCF-style: chr10-88649806-T-C.
Identifiers: ClinVar variation 627813 (VCV000627813.12), dbSNP rs1564714744, ClinGen allele CA913188292.